The following is an entry in ClinVar:

NM_001365536.1(SCN9A):c.20C>A (p.Pro7Gln)

Gene: SCN9A (sodium voltage-gated channel alpha subunit 9; minus strand). Cytogenetic location: 2q24.3.
Variant type: single nucleotide variant.
Coding change: c.20C>A on transcript NM_001365536.1 (MANE Select); coding-DNA position 20, C replaced by A.
Protein change: p.Pro7Gln; replaces proline 7 with glutamine.
Molecular consequence: missense variant.
Genome position (GRCh38, 1-based): chr2:166,311,737, G>T on the plus strand (C>A on the coding strand, the complement: SCN9A is on the minus strand). VCF-style: chr2-166311737-G-T. GRCh37 (hg19) VCF-style: chr2-167168247-G-T.
Other names: c.20C>A, p.Pro7Gln (NM_002977.4); short protein forms P7Q.
Identifiers: ClinVar variation 1522995 (VCV001522995.6), dbSNP rs773012423, ClinGen allele CA349096279.

ClinVar aggregate classification (germline): Uncertain significance (1 of 4 stars; one submission).

Conditions:
Neuropathy, hereditary sensory and autonomic, type 2A (HSAN2A). Also called: HSAN IIA; WNK1-Related HSAN2 (HSAN2A); MORVAN DISEASE; NEUROPATHY, CONGENITAL SENSORY; NEUROPATHY, HEREDITARY SENSORY RADICULAR, AUTOSOMAL RECESSIVE; NEUROPATHY, HEREDITARY SENSORY, TYPE IIA. Identifiers: Orphanet 970, MedGen C2752089, MONDO:0024309, OMIM 201300.
Generalized epilepsy with febrile seizures plus, type 7 (GEFSP7). Also called: GEFS+, TYPE 7. Identifiers: Orphanet 36387, MedGen C2751778, MONDO:0013470, OMIM 613863.

Submission:

Labcorp Genetics (formerly Invitae), Labcorp
Classification: Uncertain significance for Neuropathy, hereditary sensory and autonomic, type 2A; Generalized epilepsy with febrile seizures plus, type 7. Last evaluated: 2024-10-22. Review status: criteria provided, single submitter. Criteria: Invitae Variant Classification Sherloc (09022015). Collection method: clinical testing. Allele origin: germline.
Comment: This sequence change replaces proline, which is neutral and non-polar, with glutamine, which is neutral and polar, at codon 7 of the SCN9A protein (p.Pro7Gln). This variant is not present in population databases (gnomAD no frequency). This variant has not been reported in the literature in individuals affected with SCN9A-related conditions. ClinVar contains an entry for this variant (Variation ID: 1522995). Invitae Evidence Modeling of protein sequence and biophysical properties (such as structural, functional, and spatial information, amino acid conservation, physicochemical variation, residue mobility, and thermodynamic stability) has been performed for this missense variant. However, the output from this modeling did not meet the statistical confidence thresholds required to predict the impact of this variant on SCN9A protein function. In summary, the available evidence is currently insufficient to determine the role of this variant in disease. Therefore, it has been classified as a Variant of Uncertain Significance.